The following is an entry in ClinVar:

ClinVar aggregate classification (germline): Uncertain significance (1 of 4 stars; one submission).

Submission:

Labcorp Genetics (formerly Invitae), Labcorp
Classification: Uncertain significance. Last evaluated: 2022-08-31. Review status: criteria provided, single submitter. Criteria: Invitae Variant Classification Sherloc (09022015). Collection method: clinical testing. Allele origin: germline.
Comment: This variant is a gross deletion of the genomic region encompassing exon(s) 13 of the COQ8B gene. This variant would be expected to be in-frame, preserving the integrity of the reading frame. This variant has not been reported in the literature in individuals affected with COQ8B-related conditions. Experimental studies and prediction algorithms are not available or were not evaluated, and the functional significance of this variant is currently unknown. In summary, the available evidence is currently insufficient to determine the role of this variant in disease. Therefore, it has been classified as a Variant of Uncertain Significance.

NC_000019.9:g.(?_41201874)_(41201979_?)del

Gene: COQ8B (coenzyme Q8B; minus strand). Cytogenetic location: 19q13.2.
Variant type: Deletion.
Identifiers: ClinVar variation 2426896 (VCV002426896.3).